The following is an entry in ClinVar:

ClinVar aggregate classification (germline): Uncertain significance (1 of 4 stars; one submission).

gnomAD v4.1: 2 of 1,273,614 alleles (0.00016%); highest among the groups gnomAD compares: East Asian, 0.0059%; no homozygotes.

Submission:

Labcorp Genetics (formerly Invitae), Labcorp
Classification: Uncertain significance. Last evaluated: 2025-08-30. Review status: criteria provided, single submitter. Criteria: Invitae Variant Classification Sherloc (09022015). Collection method: clinical testing. Allele origin: germline.
Comment: This sequence change replaces glutamine, which is neutral and polar, with histidine, which is basic and polar, at codon 8 of the SUCLG2 protein (p.Gln8His). This variant is present in population databases (rs775519849, gnomAD 0.02%). This variant has not been reported in the literature in individuals affected with SUCLG2-related conditions. An algorithm developed to predict the effect of missense changes on protein structure and function (PolyPhen-2) suggests that this variant is likely to be tolerated. In summary, the available evidence is currently insufficient to determine the role of this variant in disease. Therefore, it has been classified as a Variant of Uncertain Significance.

NM_003848.4(SUCLG2):c.24G>T (p.Gln8His)

Gene: SUCLG2 (succinate-CoA ligase GDP-forming subunit beta; minus strand). Cytogenetic location: 3p14.1.
Variant type: single nucleotide variant.
Coding change: c.24G>T on transcript NM_003848.4 (MANE Select); coding-DNA position 24, G replaced by T.
Protein change: p.Gln8His; replaces glutamine 8 with histidine.
Molecular consequence: missense variant.
Genome position (GRCh38, 1-based): chr3:67,654,563, C>A on the plus strand (G>T on the coding strand, the complement: SUCLG2 is on the minus strand). VCF-style: chr3-67654563-C-A. GRCh37 (hg19) VCF-style: chr3-67704987-C-A.
Other names: c.24G>T, p.Gln8His (NM_001177599.2); short protein forms Q8H.
Identifiers: ClinVar variation 4708006 (VCV004708006.1).